The following is an entry in ClinVar:

NM_000444.6(PHEX):c.1706T>G (p.Leu569Arg)

Genes: PHEX (phosphate regulating endopeptidase X-linked; plus strand), PTCHD1-AS (PTCHD1 antisense RNA (head to head); minus strand). Cytogenetic location: Xp22.11.
Variant type: single nucleotide variant.
Coding change: c.1706T>G on transcript NM_000444.6 (MANE Select); coding-DNA position 1706, T replaced by G.
Protein change: p.Leu569Arg; replaces leucine 569 with arginine.
Molecular consequence: missense variant.
Genome position (GRCh38, 1-based): chrX:22,219,041, T>G. VCF-style: chrX-22219041-T-G. GRCh37 (hg19) VCF-style: chrX-22237158-T-G.
Other names: c.1706T>G, p.Leu569Arg (NM_001282754.2); short protein forms L569R.
Identifiers: ClinVar variation 3030042 (VCV003030042.2), dbSNP rs1556135242, ClinGen allele CA412575728.

ClinVar aggregate classification (germline): Uncertain significance (0 of 4 stars; one submission).

Conditions:
PHEX-related disorder. Also called: PHEX-related condition.

Allele frequency attached by ClinVar (database versions not stated): gnomAD exomes below 0.00001.
gnomAD v4.1: 2 of 1,158,380 alleles (0.00017%); highest among the groups gnomAD compares: Non-Finnish European, 0.00024%; no homozygotes.

Submission:

PreventionGenetics, part of Exact Sciences
Classification: Uncertain significance for PHEX-related condition. Last evaluated: 2024-03-15. Review status: no assertion criteria provided. Collection method: clinical testing. Allele origin: germline.
Comment: The PHEX c.1706T>G variant is predicted to result in the amino acid substitution p.Leu569Arg. This variant has not been reported in a large population database, indicating this variant is rare. Although we suspect that this variant may be pathogenic, at this time, the clinical significance of this variant is uncertain due to the absence of conclusive functional and genetic evidence.